The following is an entry in ClinVar:

ClinVar aggregate classification (germline): Benign. Review status: criteria provided, multiple submitters, no conflicts (2 of 4 stars). 4 submissions from 4 submitters: Benign (3). 1 of the submissions does not count toward it. Last evaluated 2026-02-04.

Conditions:
GABRA2-related disorder. Also called: GABRA2-related condition.

Allele frequency attached by ClinVar (database versions not stated): 1000 Genomes Project 0.36302; 1000 Genomes Project 30x 0.36555; gnomAD exomes 0.42565 and 0.40385; ESP Exome Variant Server 0.37758; gnomAD 0.37836 and 0.37954; TOPMed 0.38269; ExAC 0.39801.
gnomAD v4.1: 671,225 of 1,595,942 alleles (42%); highest among the groups gnomAD compares: East Asian, 49%; 145,514 homozygotes.

Submissions (4):

Labcorp Genetics (formerly Invitae), Labcorp
Classification: Benign. Last evaluated: 2026-02-04. Review status: criteria provided, single submitter. Criteria: Invitae Variant Classification Sherloc (09022015). Collection method: clinical testing. Allele origin: germline.

GeneDx
Classification: Benign. Last evaluated: 2019-03-20. Review status: criteria provided, single submitter. Criteria: GeneDx Variant Classification Process June 2021. Collection method: clinical testing. Allele origin: germline. Affected: yes.

Breakthrough Genomics
Classification: Benign. Review status: criteria provided, single submitter. Criteria: ACMG Guidelines, 2015. Collection method: not provided. Allele origin: germline. Inheritance: Autosomal dominant inheritance. Affected: yes.

PreventionGenetics, part of Exact Sciences
Classification: Benign for GABRA2-related condition. Last evaluated: 2019-10-17. Review status: no assertion criteria provided. Collection method: clinical testing. Allele origin: germline. Not counted in ClinVar's aggregate classification.
Comment: This variant is classified as benign based on ACMG/AMP sequence variant interpretation guidelines (Richards et al. 2015 PMID: 25741868, with internal and published modifications).

NM_000807.4(GABRA2):c.396A>G (p.Lys132=)

Gene: GABRA2 (gamma-aminobutyric acid type A receptor subunit alpha2; minus strand). Cytogenetic location: 4p12.
Variant type: single nucleotide variant.
Coding change: c.396A>G on transcript NM_000807.4 (MANE Select); coding-DNA position 396, A replaced by G.
Protein change: p.Lys132=; no amino-acid change (lysine 132 retained).
Molecular consequence: synonymous variant.
Genome position (GRCh38, 1-based): chr4:46,312,576, T>C on the plus strand (A>G on the coding strand, the complement: GABRA2 is on the minus strand). VCF-style: chr4-46312576-T-C. GRCh37 (hg19) VCF-style: chr4-46314593-T-C.
Other names: c.396A>G, p.Lys132= (NM_001114175.3, NM_001330690.2, NM_001377144.1 and 8 more transcripts); c.231A>G, p.Lys77= (NM_001286827.3, NM_001377152.1, NM_001377153.1 and 1 more transcripts); c.396A>G (NM_000807.3).
Identifiers: ClinVar variation 1168077 (VCV001168077.13), dbSNP rs279858, ClinGen allele CA2906724.